The following is an entry in ClinVar:

ClinVar aggregate classification (germline): Uncertain significance. Review status: criteria provided, multiple submitters, no conflicts (2 of 4 stars). 2 submissions from 2 submitters: Uncertain significance (2). Last evaluated 2024-07-02.

Conditions:
Inborn genetic diseases. Identifiers: MedGen C0950123, MeSH D030342.
Developmental and epileptic encephalopathy, 12 (DEE12). Identifiers: MedGen C3150988, MONDO:0013389, OMIM 613722.

Allele frequency attached by ClinVar (database versions not stated): gnomAD exomes below 0.00001.
gnomAD v4.1: 3 of 1,609,070 alleles (0.00019%); highest among the groups gnomAD compares: South Asian, 0.0033%; no homozygotes.

Submissions (2):

Ambry Genetics
Classification: Uncertain significance for Inborn genetic diseases. Last evaluated: 2024-07-02. Review status: criteria provided, single submitter. Criteria: Ambry Variant Classification Scheme 2023. Collection method: clinical testing. Allele origin: germline.

Labcorp Genetics (formerly Invitae), Labcorp
Classification: Uncertain significance for Developmental and epileptic encephalopathy, 12. Last evaluated: 2020-09-01. Review status: criteria provided, single submitter. Criteria: Invitae Variant Classification Sherloc (09022015). Collection method: clinical testing. Allele origin: germline.
Comment: In summary, the available evidence is currently insufficient to determine the role of this variant in disease. Therefore, it has been classified as a Variant of Uncertain Significance. Algorithms developed to predict the effect of missense changes on protein structure and function are either unavailable or do not agree on the potential impact of this missense change (SIFT: "Tolerated"; PolyPhen-2: "Possibly Damaging"; Align-GVGD: "Class C0"). This variant has not been reported in the literature in individuals with PLCB1-related conditions. This variant is not present in population databases (ExAC no frequency). This sequence change replaces proline with threonine at codon 783 of the PLCB1 protein (p.Pro783Thr). The proline residue is moderately conserved and there is a small physicochemical difference between proline and threonine.

NM_015192.4(PLCB1):c.2347C>A (p.Pro783Thr)

Gene: PLCB1 (phospholipase C beta 1; plus strand). Cytogenetic location: 20p12.3.
Variant type: single nucleotide variant.
Coding change: c.2347C>A on transcript NM_015192.4 (MANE Select); coding-DNA position 2347, C replaced by A.
Protein change: p.Pro783Thr; replaces proline 783 with threonine.
Molecular consequence: missense variant.
Genome position (GRCh38, 1-based): chr20:8,740,382, C>A. VCF-style: chr20-8740382-C-A. GRCh37 (hg19) VCF-style: chr20-8721029-C-A.
Other names: c.2347C>A (NM_015192.2); c.2347C>A, p.Pro783Thr (NM_182734.3); short protein forms P783T.
Identifiers: ClinVar variation 1046660 (VCV001046660.10), dbSNP rs1980812475, ClinGen allele CA408207928.
Genomic context (GRCh38, chr20:8,740,382, plus strand): 5'-CAGCATTATTCTCACCTTCCAGGCTATCACTATATCTGTCTAAGGAATGAAAGGAACCAG[C>A]CTCTGACGCTGCCTGCTGTCTTTGTCTACATAGAAGTGAAAGACTATGTGCCAGACACAT-3'
Protein context (NP_056007.1, residues 773-793): YICLRNERNQ[Pro783Thr]LTLPAVFVYI